The following is an entry in ClinVar:

NM_001385641.1(SAMD11):c.1070T>C (p.Leu357Pro)

Gene: SAMD11 (sterile alpha motif domain containing 11; plus strand). Cytogenetic location: 1p36.33.
Variant type: single nucleotide variant.
Coding change: c.1070T>C on transcript NM_001385641.1 (MANE Select); coding-DNA position 1070, T replaced by C.
Protein change: p.Leu357Pro; replaces leucine 357 with proline.
Molecular consequence: missense variant.
Genome position (GRCh38, 1-based): chr1:939,287, T>C. VCF-style: chr1-939287-T-C. GRCh37 (hg19) VCF-style: chr1-874667-T-C.
Other names: c.1073T>C, p.Leu358Pro (NM_001385640.1); c.533T>C, p.Leu178Pro (NM_152486.4); short protein forms L357P, L358P, L178P.
Identifiers: ClinVar variation 1398416 (VCV001398416.7), dbSNP rs1157613686, ClinGen allele CA337800203.

ClinVar aggregate classification (germline): Uncertain significance (1 of 4 stars; one submission).

Allele frequency attached by ClinVar (database versions not stated): gnomAD exomes 0.00001; TOPMed 0.00001.
gnomAD v4.1: 17 of 1,605,752 alleles (0.0011%); highest among the groups gnomAD compares: East Asian, 0.02%; no homozygotes.

Submission:

Labcorp Genetics (formerly Invitae), Labcorp
Classification: Uncertain significance. Last evaluated: 2023-10-23. Review status: criteria provided, single submitter. Criteria: Invitae Variant Classification Sherloc (09022015). Collection method: clinical testing. Allele origin: germline.
Comment: This sequence change replaces leucine, which is neutral and non-polar, with proline, which is neutral and non-polar, at codon 178 of the SAMD11 protein (p.Leu178Pro). This variant is present in population databases (no rsID available, gnomAD 0.009%). This variant has not been reported in the literature in individuals affected with SAMD11-related conditions. ClinVar contains an entry for this variant (Variation ID: 1398416). An algorithm developed to predict the effect of missense changes on protein structure and function (PolyPhen-2) suggests that this variant is likely to be disruptive. In summary, the available evidence is currently insufficient to determine the role of this variant in disease. Therefore, it has been classified as a Variant of Uncertain Significance.